The following is an entry in ClinVar:

ClinVar aggregate classification (germline): Pathogenic/Likely pathogenic. Review status: criteria provided, multiple submitters, no conflicts (2 of 4 stars). 8 submissions from 8 submitters: Pathogenic (5); Likely pathogenic (2). 1 of the submissions does not count toward it. Last evaluated 2026-06-23.

Conditions:
Germ cell tumor of testis (TGCT). Also called: GERM CELL TUMOR, SOMATIC; Testicular germ cell tumor. Identifiers: Orphanet 363504, MedGen C1336708, MONDO:0010108, OMIM 273300.
Epidermal nevus. Also called: NEVUS, KERATINOCYTIC, NONEPIDERMOLYTIC; Nevus, epidermal, somatic. Identifiers: Orphanet 79414, MedGen C0334082, MONDO:0008093, OMIM 162900, HP:0010816.
Colorectal cancer. Also called: Colorectal cancer, somatic; Malignant Colorectal Neoplasm. Identifiers: MedGen C0346629, MONDO:0005575, OMIM 114500.
Thanatophoric dysplasia type 1 (TD1). Also called: Thanatophoric Dysplasia Type 1 (TD Type 1); LETHAL SHORT-LIMBED PLATYSPONDYLIC DWARFISM, SAN DIEGO TYPE; PLATYSPONDYLIC LETHAL SKELETAL DYSPLASIA, SAN DIEGO TYPE. Identifiers: Orphanet 1860, Orphanet 2655, MedGen C1868678, MONDO:0008546, OMIM 187600. Disease mechanism: gain of function.
Thanatophoric dysplasia, type 2 (TD2). Also called: CLOVERLEAF SKULL WITH THANATOPHORIC DWARFISM; Thanatophoric Dysplasia Type 2 (TD Type 2); THANATOPHORIC DYSPLASIA WITH KLEEBLATTSCHAEDEL; THANATOPHORIC DYSPLASIA WITH STRAIGHT FEMURS AND CLOVERLEAF SKULL. Identifiers: Orphanet 2655, Orphanet 93274, MedGen C1300257, MONDO:0008547, OMIM 187601. Disease mechanism: gain of function.
Cervical cancer. Also called: Cervix cancer; Cervical cancer, somatic; Cancer of cervix. Identifiers: MedGen C4048328, MONDO:0002974, OMIM 603956, HP:0030079.
Camptodactyly-tall stature-scoliosis-hearing loss syndrome. Also called: CATSHL SYNDROME. Identifiers: Orphanet 85164, MedGen C1864852, MONDO:0012504, OMIM 610474.
Severe achondroplasia-developmental delay-acanthosis nigricans syndrome. Also called: Severe achondroplasia with developmental delay and acanthosis nigricans; SADDAN dysplasia. Identifiers: Orphanet 85165, MedGen C2674173, MONDO:0014658, OMIM 616482.
Levy-Hollister syndrome (LADD). Also called: LADD syndrome. Identifiers: Orphanet 2363, MedGen C0265269, MONDO:0007872.
Malignant tumor of urinary bladder. Also called: Urinary Bladder Neoplasms; Bladder cancer; Urinary bladder cancer. Identifiers: MedGen C0005684, MONDO:0001187, OMIM 109800.
Muenke syndrome (MNKES). Also called: MUENKE NONSYNDROMIC CORONAL CRANIOSYNOSTOSIS. Identifiers: Orphanet 53271, MedGen C1864436, MONDO:0011274, OMIM 602849.
Achondroplasia (ACH). Also called: Achondroplastic dwarfism. Identifiers: Orphanet 15, MedGen C0001080, MONDO:0007037, OMIM 100800. Disease mechanism: gain of function.
Hypochondroplasia (HCH). Identifiers: Orphanet 429, MedGen C0410529, MONDO:0007793, OMIM 146000. Disease mechanism: gain of function.
Crouzon syndrome-acanthosis nigricans syndrome. Also called: CROUZONODERMOSKELETAL SYNDROME. Identifiers: Orphanet 93262, MedGen C2677099, MONDO:0012833, OMIM 612247.
FGFR3-related chondrodysplasia. Identifiers: Orphanet 93420, MedGen C5681604, MONDO:0019685.

Allele frequency attached by ClinVar (database versions not stated): gnomAD exomes below 0.00001.
gnomAD v4.1: 2 of 1,613,044 alleles (0.00012%); highest among the groups gnomAD compares: African/African-American, 0.0013%; no homozygotes.

Submissions (8):

Genomenon, Inc
Classification: Likely pathogenic for FGFR3-related chondrodysplasia. Last evaluated: 2026-06-23. Review status: criteria provided, single submitter. Criteria: Genomenon Sequence Variant Interpretation Standards - Updated. Collection method: curation. Allele origin: germline. Affected: yes.
Comment: FGFR3 p.Lys650Asn (c.1950G>C) is a missense variant that changes the amino acid at codon 650 from Lysine to Asparagine. This variant has been observed in at least one proband with an FGFR3-related disorder (PMID:11055896). The variant was found to segregate with disease in at least one affected family (PMID:11055896). At least one functional study has demonstrated a substantial alteration in protein function relative to the wild-type (PMID:11055896;15292251;17320202;26992226). It is absent or not present at a significant frequency in gnomAD. In silico models predict that this variant is possibly or probably damaging. In conclusion, we classify FGFR3 p.Lys650Asn (c.1950G>C) as a likely pathogenic variant.

GeneDx
Classification: Pathogenic. Last evaluated: 2026-01-03. Review status: criteria provided, single submitter. Criteria: GeneDx Variant Classification Process June 2021. Collection method: clinical testing. Allele origin: germline. Affected: yes.
Comment: Observed in multiple unrelated families with hypochondroplasia whose clinical features, including radiographic findings and short stature, are on the milder end of the FGFR3 spectrum (PMID: 11055896); Published functional studies demonstrate a damaging effect as K650N significantly increased constitutive kinase activation in the mutant protein but to a lesser degree than those K650 variants associated with more severe phenotypes (PMID: 11055896); In silico analysis supports that this missense variant has a deleterious effect on protein structure/function; This variant is associated with the following publications: (PMID: 17103447, 17561467, 19855393, 15863034, 20453470, 16912704, 17320202, 26152202, 17509076, 19066716, 26686047, 37938362, 33726816, 11055896)

Labcorp Genetics (formerly Invitae), Labcorp
Classification: Pathogenic. Last evaluated: 2025-11-19. Review status: criteria provided, single submitter. Criteria: Invitae Variant Classification Sherloc (09022015). Collection method: clinical testing. Allele origin: germline.
Comment: This sequence change replaces lysine, which is basic and polar, with asparagine, which is neutral and polar, at codon 650 of the FGFR3 protein (p.Lys650Asn). This variant is present in population databases (rs28928868, gnomAD 0.007%). This missense change has been observed in individuals with hypochondroplasia (PMID: 11055896). ClinVar contains an entry for this variant (Variation ID: 16347). Invitae Evidence Modeling of protein sequence and biophysical properties (such as structural, functional, and spatial information, amino acid conservation, physicochemical variation, residue mobility, and thermodynamic stability) indicates that this missense variant is expected to disrupt FGFR3 protein function with a positive predictive value of 95%. This variant disrupts the p.Lys650 amino acid residue in FGFR3. Other variant(s) that disrupt this residue have been determined to be pathogenic (PMID: 11055896, 16912704, 18583390, 20453470). This suggests that this residue is clinically significant, and that variants that disrupt this residue are likely to be disease-causing. For these reasons, this variant has been classified as Pathogenic.

3billion
Classification: Pathogenic for Hypochondroplasia. Last evaluated: 2024-06-14. Review status: criteria provided, single submitter. Criteria: ACMG Guidelines, 2015. Collection method: clinical testing. Allele origin: germline. Affected: yes.
Comment: The variant is observed at an extremely low frequency in the gnomAD v4.0.0 dataset (total allele frequency: <0.001%). Predicted Consequence/Location: Missense changes are a common disease-causing mechanism. In silico tool predictions suggest damaging effect of the variant on gene or gene product [REVEL: 0.66 (>=0.6, sensitivity 0.68 and specificity 0.92); 3Cnet: 0.96 (>=0.6, sensitivity 0.72 and precision 0.9)]. The same nucleotide change resulting in the same amino acid change has been previously reported as pathogenic/likely pathogenic with strong evidence (ClinVar ID: VCV000016347 /PMID: 11055896). Different missense changes at the same codon (p.Lys650Gln, p.Lys650Glu, p.Lys650Met, p.Lys650Thr) have been reported as pathogenic/likely pathogenic with strong evidence (ClinVar ID: VCV000016331, VCV000016341, VCV000016348, VCV000065855 /PMID: 10671061, 11055896, 17875876, 7773297). Therefore, this variant is classified as Pathogenic according to the recommendation of ACMG/AMP guideline.

Fulgent Genetics
Classification: Pathogenic for Achondroplasia; Malignant tumor of urinary bladder; Colorectal cancer; Hypochondroplasia; LADD syndrome 1; Epidermal nevus; Thanatophoric dysplasia type 1; Thanatophoric dysplasia, type 2; Germ cell tumor of testis; Muenke syndrome; Cervical cancer; Camptodactyly-tall stature-scoliosis-hearing loss syndrome; Crouzon syndrome-acanthosis nigricans syndrome; Severe achondroplasia-developmental delay-acanthosis nigricans syndrome. Last evaluated: 2021-08-21. Review status: criteria provided, single submitter. Criteria: ACMG Guidelines, 2015. Collection method: clinical testing. Allele origin: unknown.

CENTOGENE GmbH and LLC - Guiding Precision Medicine
Classification: Likely pathogenic for Hypochondroplasia. Last evaluated: 2021-06-01. Review status: criteria provided, single submitter. Criteria: ACMG Guidelines, 2015. Collection method: clinical testing. Allele origin: paternal. Affected: yes.

Clinical Genetics and Genomics, Karolinska University Hospital
Classification: Pathogenic. Last evaluated: 2017-03-06. Review status: criteria provided, single submitter. Criteria: ACMG Guidelines, 2015. Collection method: clinical testing. Allele origin: germline. Affected: yes. Observed: 3 variant alleles.

OMIM
Classification: Pathogenic for HYPOCHONDROPLASIA. Last evaluated: 2000-12-01. Review status: no assertion criteria provided. Collection method: literature only. Allele origin: germline. Not counted in ClinVar's aggregate classification.

Literature cited by the submitters: PubMed 11055896 (cited by 4 submitters); PubMed 15292251 (cited by Genomenon, Inc); PubMed 17320202 (cited by Genomenon, Inc); PubMed 26992226 (cited by Genomenon, Inc); PubMed 16912704 (cited by Labcorp Genetics (formerly Invitae), Labcorp); PubMed 18583390 (cited by Labcorp Genetics (formerly Invitae), Labcorp); PubMed 20453470 (cited by Labcorp Genetics (formerly Invitae), Labcorp); PubMed 10671061 (cited by 3billion).

NM_000142.5(FGFR3):c.1950G>C (p.Lys650Asn)

Gene: FGFR3 (fibroblast growth factor receptor 3; plus strand). Cytogenetic location: 4p16.3.
Variant type: single nucleotide variant.
Coding change: c.1950G>C on transcript NM_000142.5 (MANE Select); coding-DNA position 1950, G replaced by C.
Protein change: p.Lys650Asn; replaces lysine 650 with asparagine.
Molecular consequence: missense variant. On other transcripts: non-coding transcript variant (1).
Genome position (GRCh38, 1-based): chr4:1,806,164, G>C. VCF-style: chr4-1806164-G-C. GRCh37 (hg19) VCF-style: chr4-1807891-G-C.
Other names: FGFR3, LYS650ASN, 1950G-C; c.1956G>C (NM_001163213.1); c.1956G>C, p.Lys652Asn (NM_001163213.2); c.1953G>C, p.Lys651Asn (NM_001354809.2, NM_001354810.2); c.1614G>C, p.Lys538Asn (NM_022965.4); short protein forms K650N, K652N, K651N, K538N.
Identifiers: ClinVar variation 16347 (VCV000016347.18), dbSNP rs28928868, ClinGen allele CA280221.
Genomic context (GRCh38, chr4:1,806,164, plus strand): 5'-GATGAAGATCGCAGACTTCGGGCTGGCCCGGGACGTGCACAACCTCGACTACTACAAGAA[G>C]ACGACCAACGTGAGCCCGGCCCTGGGGTGCGGGGGTGGGGGTCATGCCAGTAGGACGCCT-3'
Protein context (NP_000133.1, residues 640-660): RDVHNLDYYK[Lys650Asn]TTNGRLPVKW